The following is an entry in ClinVar:

ClinVar aggregate classification (germline): Uncertain significance (1 of 4 stars; one submission).

Conditions:
Hereditary cancer-predisposing syndrome. Also called: Hereditary Cancer Syndrome; Tumor predisposition; Hereditary neoplastic syndrome; Neoplastic Syndromes, Hereditary. Identifiers: Orphanet 140162, MedGen C0027672, MeSH D009386, MONDO:0015356.

Submission:

Ambry Genetics
Classification: Uncertain significance for Hereditary cancer-predisposing syndrome. Last evaluated: 2024-09-23. Review status: criteria provided, single submitter. Criteria: Ambry Variant Classification Scheme 2023. Collection method: clinical testing. Allele origin: germline.
Comment: The p.R591G variant (also known as c.1771C>G), located in coding exon 5 of the MET gene, results from a C to G substitution at nucleotide position 1771. The arginine at codon 591 is replaced by glycine, an amino acid with dissimilar properties. This amino acid position is conserved. In addition, this alteration is predicted to be tolerated by in silico analysis. Based on the available evidence, the clinical significance of this variant remains unclear.

NM_000245.4(MET):c.1771C>G (p.Arg591Gly)

Gene: MET (MET proto-oncogene, receptor tyrosine kinase; plus strand). Cytogenetic location: 7q31.2.
Variant type: single nucleotide variant.
Coding change: c.1771C>G on transcript NM_000245.4 (MANE Select); coding-DNA position 1771, C replaced by G.
Protein change: p.Arg591Gly; replaces arginine 591 with glycine.
Molecular consequence: missense variant.
Genome position (GRCh38, 1-based): chr7:116,755,424, C>G. VCF-style: chr7-116755424-C-G. GRCh37 (hg19) VCF-style: chr7-116395478-C-G.
Other names: c.1771C>G, p.Arg591Gly (NM_001127500.3, NM_001324401.3); c.481C>G, p.Arg161Gly (NM_001324402.2); short protein forms R161G, R591G.
Identifiers: ClinVar variation 3395159 (VCV003395159.1).
Genomic context (GRCh38, chr7:116,755,424, plus strand): 5'-AATAGTGCACCCCTTGAAGGAGGGACAAGGCTGACCATATGTGGCTGGGACTTTGGATTT[C>G]GGAGGAATAATAAATTTGATTTAAAGAAAACTAGAGTTCTCCTTGGAAATGAGAGCTGCA-3'
Protein context (NP_000236.2, residues 581-601): LTICGWDFGF[Arg591Gly]RNNKFDLKKT